The following is an entry in ClinVar:

NM_000051.4(ATM):c.2839-3_2841del

Gene: ATM (ATM serine/threonine kinase; plus strand). Cytogenetic location: 11q22.3.
Variant type: Deletion.
Coding change: c.2839-3_2841del on transcript NM_000051.4 (MANE Select); 3 bases into the intron before coding-DNA position 2839 through coding-DNA position 2841, 6 bases deleted (TAGTAT; older notation c.2839-3_2841delTAGTAT).
Molecular consequence: splice acceptor variant.
Genome position (GRCh38, 1-based): chr11:108,271,061-108,271,066, TAGTAT deleted; deleting any 6 consecutive bases within chr11:108,271,060-108,271,066 gives the same sequence; the c. name uses the placement nearest the transcript's 3' end. VCF-style (leftmost placement, unchanged base first): chr11-108271059-CTTAGTA-C. GRCh37 (hg19) VCF-style: chr11-108141786-CTTAGTA-C.
Other names: c.2839-3_2841del (NM_001351834.2).
Identifiers: ClinVar variation 1210124 (VCV001210124.1), dbSNP rs2135547107, ClinGen allele CA2499220597.

ClinVar aggregate classification (germline): Likely pathogenic (0 of 4 stars; one submission).

Conditions:
Breast carcinoma. Also called: Carcinoma of breast. Identifiers: MedGen C0678222, MONDO:0004989, HP:0003002.

Submission:

Medical Genetics Laboratory, Umraniye Training and Research Hospital, University of Health Sciences
Classification: Likely pathogenic for Breast carcinoma. Last evaluated: 2021-08-23. Review status: no assertion criteria provided. Collection method: clinical testing. Allele origin: germline. Affected: yes. Observed: 1 variant allele, 1 heterozygote.
Comment: Invasive Ductal Carcinoma Estrogen Receptor: Positive Progesterone Receptor: Positive HER2 Receptor: Negative